The following is an entry in ClinVar:

ClinVar aggregate classification (germline): Uncertain significance. Review status: criteria provided, multiple submitters, no conflicts (2 of 4 stars). 2 submissions from 2 submitters: Uncertain significance (2). Last evaluated 2026-07-02.

Conditions:
Cardiovascular phenotype. Identifiers: MedGen CN230736.

gnomAD v4.1: 2 of 1,614,086 alleles (0.00012%); highest among the groups gnomAD compares: Non-Finnish European, 0.00017%; no homozygotes.

Submissions (2):

Ambry Genetics
Classification: Uncertain significance for Cardiovascular phenotype. Last evaluated: 2026-07-02. Review status: criteria provided, single submitter. Criteria: Ambry Variant Classification Scheme 2023. Collection method: clinical testing. Allele origin: germline.
Comment: The c.293T>C (p.L98P) alteration is located in exon 3 (coding exon 3) of the PTPN11 gene. This alteration results from a T to C substitution at nucleotide position 293, causing the leucine (L) at amino acid position 98 to be replaced by a proline (P). This variant was not reported in population-based cohorts in the Genome Aggregation Database (gnomAD). This amino acid position is highly conserved in available vertebrate species. This alteration is predicted to be deleterious by in silico analysis. Based on insufficient or conflicting evidence, the clinical significance of this alteration remains unclear.

GeneDx
Classification: Uncertain significance. Last evaluated: 2023-09-18. Review status: criteria provided, single submitter. Criteria: GeneDx Variant Classification Process June 2021. Collection method: clinical testing. Allele origin: germline. Affected: yes.
Comment: Not observed at significant frequency in large population cohorts (gnomAD); In silico analysis supports that this missense variant has a deleterious effect on protein structure/function; Missense variants in this gene are often considered pathogenic (HGMD); Has not been previously published as pathogenic or benign to our knowledge; This variant is associated with the following publications: (PMID: 29493581)

NM_002834.5(PTPN11):c.293T>C (p.Leu98Pro)

Gene: PTPN11 (protein tyrosine phosphatase non-receptor type 11; plus strand). Cytogenetic location: 12q24.13.
Variant type: single nucleotide variant.
Coding change: c.293T>C on transcript NM_002834.5 (MANE Select); coding-DNA position 293, T replaced by C.
Protein change: p.Leu98Pro; replaces leucine 98 with proline.
Molecular consequence: missense variant.
Genome position (GRCh38, 1-based): chr12:112,450,473, T>C. VCF-style: chr12-112450473-T-C. GRCh37 (hg19) VCF-style: chr12-112888277-T-C.
Other names: c.293T>C, p.Leu98Pro (NM_001330437.2, NM_080601.3); c.290T>C, p.Leu97Pro (NM_001374625.1); short protein forms L97P, L98P.
Identifiers: ClinVar variation 3338722 (VCV003338722.2).
Genomic context (GRCh38, chr12:112,450,473, plus strand): 5'-TCCAGTATTACATGGAACATCACGGGCAATTAAAAGAGAAGAATGGAGATGTCATTGAGC[T>C]TAAATATCCTCTGAACTGTGCAGATCCTACCTCTGAAAGGTCAGTAACATTTTAGTGACC-3'
Protein context (NP_002825.3, residues 88-108): LKEKNGDVIE[Leu98Pro]KYPLNCADPT